The following is an entry in ClinVar:

NM_007194.4(CHEK2):c.1096-2A>T

Gene: CHEK2 (checkpoint kinase 2; minus strand). Cytogenetic location: 22q12.1.
Variant type: single nucleotide variant.
Coding change: c.1096-2A>T on transcript NM_007194.4 (MANE Select); the canonical splice acceptor site of the intron before coding-DNA position 1096, A replaced by T.
Molecular consequence: splice acceptor variant.
Genome position (GRCh38, 1-based): chr22:28,695,875, T>A on the plus strand (A>T on the coding strand, the complement: CHEK2 is on the minus strand). VCF-style: chr22-28695875-T-A. GRCh37 (hg19) VCF-style: chr22-29091863-T-A.
Other names: c.433-2A>T (NM_001437942.1, NM_001257387.3); c.895-2A>T (NM_001349956.3); c.1009-2A>T (NM_145862.3); c.1102-2A>T (NM_001438295.1); c.1189-2A>T (NM_001438293.1); c.1138-2A>T (NM_001438294.1); c.1225-2A>T (NM_001005735.3).
Identifiers: ClinVar variation 5034542 (VCV005034542.1).

ClinVar aggregate classification (germline): Uncertain significance (1 of 4 stars; one submission).

Conditions:
Hereditary cancer-predisposing syndrome. Also called: Hereditary Cancer Syndrome; Neoplastic Syndromes, Hereditary; Tumor predisposition; Hereditary neoplastic syndrome. Identifiers: Orphanet 140162, MedGen C0027672, MeSH D009386, MONDO:0015356.

Submission:

Ambry Genetics
Classification: Uncertain significance for Hereditary cancer-predisposing syndrome. Last evaluated: 2026-06-15. Review status: criteria provided, single submitter. Criteria: Ambry Variant Classification Scheme 2023. Collection method: clinical testing. Allele origin: germline.
Comment: The c.1096-2A>T intronic variant results from an A to T substitution two nucleotides upstream from coding exon 10 in the CHEK2 gene. Variants that disrupt the canonical splice site are expected to result in aberrant splicing. In silico splice site analysis predicts that this alteration will weaken the native splice acceptor site and may result in the creation or strengthening of a novel splice acceptor site. A resulting transcript is predicted to be in-frame and is not expected to trigger nonsense-mediated mRNAdecay; although, direct evidence is unavailable. This nucleotide position is highly conserved in available vertebrate species. Based on the available evidence, the clinical significance of this variant remains unclear.